The following is an entry in ClinVar:

ClinVar aggregate classification (germline): Conflicting classifications of pathogenicity. Review status: criteria provided, conflicting classifications (1 of 4 stars). 6 submissions from 6 submitters: Uncertain significance (1); Benign (1); Likely benign (3). 1 of the submissions does not count toward it. Last evaluated 2025-10-31.

Conditions:
BAAT-related disorder. Also called: BAAT-related condition.
Hypercholanemia, familial 1 (FHCA1). Identifiers: Orphanet 238475, MedGen C5542604, MONDO:0031446, OMIM 607748.

Allele frequency attached by ClinVar (database versions not stated): gnomAD exomes 0.00014 and 0.00045; ExAC 0.00055; gnomAD 0.00153 and 0.00163; TOPMed 0.00177; ESP Exome Variant Server 0.00185; 1000 Genomes Project 0.00220; 1000 Genomes Project 30x 0.00281.
gnomAD v4.1: 444 of 1,614,220 alleles (0.028%); highest among the groups gnomAD compares: African/African-American, 0.51%; 1 homozygote.

Submissions (6):

Mayo Clinic Laboratories, Mayo Clinic
Classification: Uncertain significance. Last evaluated: 2025-10-31. Review status: criteria provided, single submitter. Criteria: ACMG Guidelines, 2015. Collection method: clinical testing. Allele origin: germline. Observed: 2 variant alleles.
Comment: BP4, PM2_supporting

Labcorp Genetics (formerly Invitae), Labcorp
Classification: Benign. Last evaluated: 2025-06-19. Review status: criteria provided, single submitter. Criteria: Invitae Variant Classification Sherloc (09022015). Collection method: clinical testing. Allele origin: germline.

Illumina Laboratory Services, Illumina
Classification: Likely benign for Hypercholanemia, familial 1. Last evaluated: 2018-01-12. Review status: criteria provided, single submitter. Criteria: ICSL Variant Classification Criteria 13 December 2019. Collection method: clinical testing. Allele origin: germline.
Comment: This variant was observed in the ICSL laboratory as part of a predisposition screen in an ostensibly healthy population. It had not been previously curated by ICSL or reported in the Human Gene Mutation Database (HGMD: prior to June 1st, 2018), and was therefore a candidate for classification through an automated scoring system. Utilizing variant allele frequency, disease prevalence and penetrance estimates, and inheritance mode, an automated score was calculated to assess if this variant is too frequent to cause the disease. Based on the score and internal cut-off values, a variant classified as likely benign is not then subjected to further curation. The score for this variant resulted in a classification of likely benign for this disease.

Eurofins Ntd Llc (ga)
Classification: Likely benign. Last evaluated: 2016-08-26. Review status: criteria provided, single submitter. Criteria: EGL Classification Definitions 2015. Collection method: clinical testing. Allele origin: germline. Observed: 2 variant alleles, 1 heterozygote.

Breakthrough Genomics
Classification: Likely benign. Review status: criteria provided, single submitter. Criteria: ACMG Guidelines, 2015. Collection method: not provided. Allele origin: germline. Inheritance: Autosomal recessive inheritance. Affected: yes.

PreventionGenetics, part of Exact Sciences
Classification: Likely benign for BAAT-related condition. Last evaluated: 2021-05-03. Review status: no assertion criteria provided. Collection method: clinical testing. Allele origin: germline. Not counted in ClinVar's aggregate classification.
Comment: This variant is classified as likely benign based on ACMG/AMP sequence variant interpretation guidelines (Richards et al. 2015 PMID: 25741868, with internal and published modifications).

NM_001701.4(BAAT):c.997A>G (p.Ser333Gly)

Gene: BAAT (bile acid-CoA:amino acid N-acyltransferase; minus strand). Cytogenetic location: 9q31.1.
Variant type: single nucleotide variant.
Coding change: c.997A>G on transcript NM_001701.4 (MANE Select); coding-DNA position 997, A replaced by G.
Protein change: p.Ser333Gly; replaces serine 333 with glycine.
Molecular consequence: missense variant.
Genome position (GRCh38, 1-based): chr9:101,362,688, T>C on the plus strand (A>G on the coding strand, the complement: BAAT is on the minus strand). VCF-style: chr9-101362688-T-C. GRCh37 (hg19) VCF-style: chr9-104124970-T-C.
Other names: p.Ser333Gly; c.997A>G, p.Ser333Gly (NM_001127610.2, NM_001374715.1); short protein forms S333G.
Identifiers: ClinVar variation 289950 (VCV000289950.16), dbSNP rs139829321, ClinGen allele CA5160600.